The following is an entry in ClinVar:

ClinVar aggregate classification (germline): Likely benign (1 of 4 stars; one submission).

Allele frequency attached by ClinVar (database versions not stated): 1000 Genomes Project 30x 0.00016.
gnomAD v4.1: 192 of 1,610,916 alleles (0.012%); highest among the groups gnomAD compares: East Asian, 0.25%; 2 homozygotes.

Submission:

CeGaT Center for Human Genetics Tuebingen
Classification: Likely benign. Last evaluated: 2022-03-01. Review status: criteria provided, single submitter. Criteria: CeGaT Center For Human Genetics Tuebingen Variant Classification Criteria Version 2. Collection method: clinical testing. Allele origin: germline. Affected: yes. Observed: 1 variant allele.
Comment: AHNAK2: BP4, BP7

NM_138420.4(AHNAK2):c.7476A>C (p.Ser2492=)

Gene: AHNAK2 (AHNAK nucleoprotein 2; minus strand). Cytogenetic location: 14q32.33.
Variant type: single nucleotide variant.
Coding change: c.7476A>C on transcript NM_138420.4 (MANE Select); coding-DNA position 7476, A replaced by C.
Protein change: p.Ser2492=; no amino-acid change (serine 2492 retained).
Molecular consequence: synonymous variant.
Genome position (GRCh38, 1-based): chr14:104,947,975, T>G on the plus strand (A>C on the coding strand, the complement: AHNAK2 is on the minus strand). VCF-style: chr14-104947975-T-G. GRCh37 (hg19) VCF-style: chr14-105414312-T-G.
Other names: c.7176A>C, p.Ser2392= (NM_001350929.2).
Identifiers: ClinVar variation 2644724 (VCV002644724.24), dbSNP rs79130434, ClinGen allele CA7380564.
Genomic context (GRCh38, chr14:104,947,975, plus strand): 5'-CTTCGGCGCAGACACATCCACCGAGGCCTCGATGGACTTGCCTGGGGCAGACACCCCGAA[T>G]GACGGCATCTTGAACTTGGGAATTTTGAACCTGCTGTCTTTGGTAGTCACATCCTTGTCC-3'
Protein context (NP_612429.2, residues 2482-2502): RFKIPKFKMP[Ser2492=]FGVSAPGKSI